The following is an entry in ClinVar:

ClinVar aggregate classification (germline): Uncertain significance (1 of 4 stars; one submission).

Conditions:
Imerslund-Grasbeck syndrome. Also called: PERNICIOUS ANEMIA, JUVENILE, DUE TO SELECTIVE INTESTINAL MALABSORPTION OF VITAMIN B12, WITH PROTEINURIA; Megaloblastic anemia due to inborn errors of metabolism; ENTEROCYTE COBALAMIN MALABSORPTION; ENTEROCYTE INTRINSIC FACTOR RECEPTOR, DEFECT OF; Imerslund-Gräsbeck syndrome. Identifiers: Orphanet 35858, MedGen C4551825, MONDO:0009853.

Submission:

Labcorp Genetics (formerly Invitae), Labcorp
Classification: Uncertain significance for Imerslund-Grasbeck syndrome. Last evaluated: 2021-10-22. Review status: criteria provided, single submitter. Criteria: Invitae Variant Classification Sherloc (09022015). Collection method: clinical testing. Allele origin: germline.
Comment: This sequence change falls in intron 9 of the AMN gene. It does not directly change the encoded amino acid sequence of the AMN protein. It affects a nucleotide within the consensus splice site. The frequency data for this variant in the population databases is considered unreliable, as metrics indicate insufficient coverage at this position in the ExAC database. This variant has not been reported in the literature in individuals affected with AMN-related conditions. Variants that disrupt the consensus splice site are a relatively common cause of aberrant splicing (PMID: 17576681, 9536098). Algorithms developed to predict the effect of sequence changes on RNA splicing suggest that this variant is not likely to affect RNA splicing. In summary, the available evidence is currently insufficient to determine the role of this variant in disease. Therefore, it has been classified as a Variant of Uncertain Significance.

Literature cited by the submitters: PubMed 17576681; PubMed 9536098.

NM_030943.4(AMN):c.1007-3C>T

Genes: AMN (amnion associated transmembrane protein; plus strand), LOC130056554 (ATAC-STARR-seq lymphoblastoid silent region 6136; plus strand). Cytogenetic location: 14q32.32.
Variant type: single nucleotide variant.
Coding change: c.1007-3C>T on transcript NM_030943.4 (MANE Select); 3 bases into the intron before coding-DNA position 1007, C replaced by T.
Molecular consequence: intron variant.
Genome position (GRCh38, 1-based): chr14:102,930,162, C>T. VCF-style: chr14-102930162-C-T. GRCh37 (hg19) VCF-style: chr14-103396499-C-T.
Identifiers: ClinVar variation 1383141 (VCV001383141.3), dbSNP rs1318731733, ClinGen allele CA616581849.